The following is an entry in ClinVar:

ClinVar aggregate classification (germline): Uncertain significance. Review status: criteria provided, multiple submitters, no conflicts (2 of 4 stars). 2 submissions from 2 submitters: Uncertain significance (2). Last evaluated 2022-03-07.

Conditions:
Familial cancer of breast. Also called: BREAST CANCER, FAMILIAL; hereditary breast carcinoma; Hereditary breast cancer. Identifiers: Orphanet 227535, MedGen C0346153, MONDO:0016419, OMIM 114480. Disease mechanism: loss of function.
Li-Fraumeni syndrome (LFS). Also called: Sarcoma family syndrome of Li and Fraumeni. Identifiers: Orphanet 524, MedGen C0085390, MONDO:0018875.

Allele frequency attached by ClinVar (database versions not stated): gnomAD exomes below 0.00001.
gnomAD v4.1: 2 of 1,604,210 alleles (0.00012%); highest among the groups gnomAD compares: Non-Finnish European, 0.00017%; no homozygotes.

Submissions (2):

Department of Pathology and Laboratory Medicine, Sinai Health System
Classification: Uncertain significance for Li-Fraumeni syndrome. Last evaluated: 2022-03-07. Review status: criteria provided, single submitter. Criteria: ACMG Guidelines, 2015. Collection method: clinical testing. Allele origin: germline. Affected: yes.

Labcorp Genetics (formerly Invitae), Labcorp
Classification: Uncertain significance for Familial cancer of breast. Last evaluated: 2022-02-21. Review status: criteria provided, single submitter. Criteria: Invitae Variant Classification Sherloc (09022015). Collection method: clinical testing. Allele origin: germline.
Comment: This variant is not present in population databases (gnomAD no frequency). This sequence change replaces lysine, which is basic and polar, with arginine, which is basic and polar, at codon 365 of the CHEK2 protein (p.Lys365Arg). This variant has not been reported in the literature in individuals affected with CHEK2-related conditions. In summary, the available evidence is currently insufficient to determine the role of this variant in disease. Therefore, it has been classified as a Variant of Uncertain Significance. Algorithms developed to predict the effect of missense changes on protein structure and function are either unavailable or do not agree on the potential impact of this missense change (SIFT: "Deleterious"; PolyPhen-2: "Probably Damaging"; Align-GVGD: "Class C0").

NM_007194.4(CHEK2):c.1094A>G (p.Lys365Arg)

Gene: CHEK2 (checkpoint kinase 2; minus strand). Cytogenetic location: 22q12.1.
Variant type: single nucleotide variant.
Coding change: c.1094A>G on transcript NM_007194.4 (MANE Select); coding-DNA position 1094, A replaced by G.
Protein change: p.Lys365Arg; replaces lysine 365 with arginine.
Molecular consequence: missense variant. On other transcripts: intron variant (3).
Genome position (GRCh38, 1-based): chr22:28,696,902, T>C on the plus strand (A>G on the coding strand, the complement: CHEK2 is on the minus strand). VCF-style: chr22-28696902-T-C. GRCh37 (hg19) VCF-style: chr22-29092890-T-C.
Other names: c.1223A>G, p.Lys408Arg (NM_001005735.3); c.431A>G, p.Lys144Arg (NM_001257387.3, NM_001437942.1); c.893A>G, p.Lys298Arg (NM_001349956.3); c.1187A>G, p.Lys396Arg (NM_001438293.1); c.1009-1029A>G (NM_145862.3); c.1102-1029A>G (NM_001438295.1); c.1138-1029A>G (NM_001438294.1); short protein forms K365R, K408R, K298R, K144R, K396R.
Identifiers: ClinVar variation 1982687 (VCV001982687.5), dbSNP rs1555914237, ClinGen allele CA411097426.